The following is an entry in ClinVar:

ClinVar aggregate classification (germline): Benign (1 of 4 stars; one submission).

Allele frequency attached by ClinVar (database versions not stated): 1000 Genomes Project 0.03594; 1000 Genomes Project 30x 0.03670; TOPMed 0.05380; gnomAD 0.06073 and 0.06175.

Submission:

GeneDx
Classification: Benign. Last evaluated: 2018-06-14. Review status: criteria provided, single submitter. Criteria: GeneDx Variant Classification (06012015). Collection method: clinical testing. Allele origin: germline. Affected: yes.
Comment: This variant is considered likely benign or benign based on one or more of the following criteria: it is a conservative change, it occurs at a poorly conserved position in the protein, it is predicted to be benign by multiple in silico algorithms, and/or has population frequency not consistent with disease.

NM_177550.5(SLC13A5):c.547+272T>G

Gene: SLC13A5 (solute carrier family 13 member 5; minus strand). Cytogenetic location: 17p13.1.
Variant type: single nucleotide variant.
Coding change: c.547+272T>G on transcript NM_177550.5 (MANE Select); 272 bases into the intron after coding-DNA position 547, T replaced by G.
Molecular consequence: intron variant.
Genome position (GRCh38, 1-based): chr17:6,703,606, A>C on the plus strand (T>G on the coding strand, the complement: SLC13A5 is on the minus strand). VCF-style: chr17-6703606-A-C. GRCh37 (hg19) VCF-style: chr17-6606925-A-C.
Other names: c.418+272T>G (NM_001284510.2); c.496+272T>G (NM_001284509.2); c.547+272T>G (NM_001143838.3).
Identifiers: ClinVar variation 669487 (VCV000669487.1), dbSNP rs72836207, ClinGen allele CA14496052.